The following is an entry in ClinVar:

ClinVar aggregate classification (germline): Uncertain significance. Review status: criteria provided, single submitter (1 of 4 stars). 2 submissions from 2 submitters: Uncertain significance (1). 1 of the submissions does not count toward it. Last evaluated 2017-02-09.

Conditions:
ADAT3-related disorder. Also called: ADAT3-related condition.

Allele frequency attached by ClinVar (database versions not stated): gnomAD below 0.00001 and 0.00034; TOPMed 0.00003; gnomAD exomes 0.00057 and 0.00135; 1000 Genomes Project 30x 0.00219; 1000 Genomes Project 0.00240; ExAC 0.00306.
gnomAD v4.1: 863 of 1,581,240 alleles (0.055%); highest among the groups gnomAD compares: South Asian, 0.91%; 10 homozygotes.

Submissions (2):

GeneDx
Classification: Uncertain significance. Last evaluated: 2017-02-09. Review status: criteria provided, single submitter. Criteria: GeneDx Variant Classification (06012015). Collection method: clinical testing. Allele origin: germline. Affected: yes.
Comment: The R254H variant in the ADAT3 gene has not been reported previously as a pathogenic variant, nor as a benign variant, to our knowledge. The R254H variant is observed in 128/10342 (1.24%) alleles from individuals of South Asian background in the ExAC dataset (Lek et al., 2016). The R254H variant is a conservative amino acid substitution, which is not likely to impact secondary protein structure as these residues share similar properties. This substitution occurs at a position that is not conserved. In silico analysis is inconsistent in its predictions as to whether or not the variant is damaging to the protein structure/function. We interpret R254H as a variant of uncertain significance.

PreventionGenetics, part of Exact Sciences
Classification: Likely benign for ADAT3-related condition. Last evaluated: 2019-06-07. Review status: no assertion criteria provided. Collection method: clinical testing. Allele origin: germline. Not counted in ClinVar's aggregate classification.
Comment: This variant is classified as likely benign based on ACMG/AMP sequence variant interpretation guidelines (Richards et al. 2015 PMID: 25741868, with internal and published modifications).

NM_138422.4(ADAT3):c.761G>A (p.Arg254His)

Genes: SCAMP4 (secretory carrier membrane protein 4; plus strand), ADAT3 (adenosine deaminase tRNA specific 3; plus strand). Cytogenetic location: 19p13.3.
Variant type: single nucleotide variant.
Coding change: c.761G>A on transcript NM_138422.4 (MANE Select); coding-DNA position 761, G replaced by A.
Protein change: p.Arg254His; replaces arginine 254 with histidine.
Molecular consequence: missense variant. On other transcripts: intron variant (3).
Genome position (GRCh38, 1-based): chr19:1,912,808, G>A. VCF-style: chr19-1912808-G-A. GRCh37 (hg19) VCF-style: chr19-1912807-G-A.
Other names: c.713G>A, p.Arg238His (NM_001329533.2); c.-41-2171G>A (NM_079834.4, NM_001329540.2); c.-125-4886G>A (NM_001329539.2); short protein forms R254H, R238H.
Identifiers: ClinVar variation 423176 (VCV000423176.4), dbSNP rs556568423, ClinGen allele CA9054589.